The following is an entry in ClinVar:

ClinVar aggregate classification (germline): Uncertain significance (1 of 4 stars; one submission).

Conditions:
Chédiak-Higashi syndrome (CHS). Also called: Chediak-Higashi Syndrome. Identifiers: Orphanet 167, MedGen C0007965, MONDO:0008963, OMIM 214500.

gnomAD v4.1: 1 of 1,613,490 alleles (0.000062%); highest among the groups gnomAD compares: Non-Finnish European, 0.000085%; no homozygotes.

Submission:

Labcorp Genetics (formerly Invitae), Labcorp
Classification: Uncertain significance for Chédiak-Higashi syndrome. Last evaluated: 2025-07-27. Review status: criteria provided, single submitter. Criteria: Invitae Variant Classification Sherloc (09022015). Collection method: clinical testing. Allele origin: germline.
Comment: This sequence change replaces threonine, which is neutral and polar, with alanine, which is neutral and non-polar, at codon 2389 of the LYST protein (p.Thr2389Ala). This variant is not present in population databases (gnomAD no frequency). This variant has not been reported in the literature in individuals affected with LYST-related conditions. Invitae Evidence Modeling of protein sequence and biophysical properties (such as structural, functional, and spatial information, amino acid conservation, physicochemical variation, residue mobility, and thermodynamic stability) indicates that this missense variant is expected to disrupt LYST protein function with a positive predictive value of 80%. In summary, the available evidence is currently insufficient to determine the role of this variant in disease. Therefore, it has been classified as a Variant of Uncertain Significance.

NM_000081.4(LYST):c.7165A>G (p.Thr2389Ala)

Gene: LYST (lysosomal trafficking regulator; minus strand). Cytogenetic location: 1q42.3.
Variant type: single nucleotide variant.
Coding change: c.7165A>G on transcript NM_000081.4 (MANE Select); coding-DNA position 7165, A replaced by G.
Protein change: p.Thr2389Ala; replaces threonine 2389 with alanine.
Molecular consequence: missense variant.
Genome position (GRCh38, 1-based): chr1:235,755,542, T>C on the plus strand (A>G on the coding strand, the complement: LYST is on the minus strand). VCF-style: chr1-235755542-T-C. GRCh37 (hg19) VCF-style: chr1-235918842-T-C.
Other names: c.7165A>G, p.Thr2389Ala (NM_001301365.1); short protein forms T2389A.
Identifiers: ClinVar variation 4739372 (VCV004739372.1).